The following is an entry in ClinVar:

NM_001852.4(COL9A2):c.1604-26CTCC[5]

Gene: COL9A2 (collagen type IX alpha 2 chain; minus strand). Cytogenetic location: 1p34.2.
Variant type: Microsatellite.
Coding change: c.1604-26CTCC[5] on transcript NM_001852.4 (MANE Select); five copies in a row of the 4-base unit CTCC starting at c.1604-26; the reference has six copies in a row; one copy, 4 bases deleted.
Molecular consequence: intron variant.
Genome position (GRCh38, 1-based): chr1:40,302,812-40,302,815, GGAG deleted on the plus strand (CTCC on the coding strand, the reverse complement: COL9A2 is on the minus strand); deleting any 4 consecutive bases within chr1:40,302,812-40,302,835 gives the same sequence; the position shown is the placement nearest the transcript's 3' end. VCF-style (leftmost placement, unchanged base first): chr1-40302811-TGGAG-T. GRCh37 (hg19) VCF-style: chr1-40768483-TGGAG-T.
Identifiers: ClinVar variation 777748 (VCV000777748.12), dbSNP rs3831927, ClinGen allele CA791366.
Genomic context (GRCh38, chr1:40,302,811, plus strand): 5'-CATGCCCACCGCACCCAGGGCTTCCCGCTTGGCACTCACGGCGACCTCTGCCAGTTGCTC[TGGAG>T]GGAGGGAGGGAGGGAGGGAGAGGGAAGTCTATGAGATGGGTGTCAGCAGTAACACTAGGG-3'

ClinVar aggregate classification (germline): Benign/Likely benign. Review status: criteria provided, multiple submitters, no conflicts (2 of 4 stars). 3 submissions from 3 submitters: Benign (1); Likely benign (1). 1 of the submissions does not count toward it. Last evaluated 2025-12-28.

Conditions:
COL9A2-related disorder. Also called: COL9A2-related condition.

Submissions (3):

Labcorp Genetics (formerly Invitae), Labcorp
Classification: Benign. Last evaluated: 2025-12-28. Review status: criteria provided, single submitter. Criteria: Invitae Variant Classification Sherloc (09022015). Collection method: clinical testing. Allele origin: germline.

GeneDx
Classification: Likely benign. Last evaluated: 2021-05-03. Review status: criteria provided, single submitter. Criteria: GeneDx Variant Classification Process June 2021. Collection method: clinical testing. Allele origin: germline. Affected: yes.

PreventionGenetics, part of Exact Sciences
Classification: Benign for COL9A2-related condition. Last evaluated: 2019-07-15. Review status: no assertion criteria provided. Collection method: clinical testing. Allele origin: germline. Not counted in ClinVar's aggregate classification.
Comment: This variant is classified as benign based on ACMG/AMP sequence variant interpretation guidelines (Richards et al. 2015 PMID: 25741868, with internal and published modifications).